The following is an entry in ClinVar:

ClinVar aggregate classification (germline): Pathogenic (0 of 4 stars; one submission).

Conditions:
Congenital heart disease (CHD). Identifiers: MedGen C0152021, MONDO:0005453. Disease mechanism: unknown.

Allele frequency attached by ClinVar (database versions not stated): gnomAD exomes below 0.00001.
gnomAD v4.1: 1 of 1,381,674 alleles (0.000072%); highest among the groups gnomAD compares: South Asian, 0.0012%; no homozygotes.

Submission:

Central Research Laboratory, Sri Devaraj Urs Academy of Higher Education and Research
Classification: Pathogenic for Congenital heart disease. Last evaluated: 2017-01-07. Review status: no assertion criteria provided. Collection method: clinical testing. Allele origin: unknown. Affected: yes. Observed: 1 variant allele.
Comment: This variant, NG_008177.2:g.83073T>C, leads to the disruption of SRp55 ISE binding motif.

Literature cited by the submitters: PubMed 27426723.

NM_001308093.3(GATA4):c.913-55T>C

Gene: GATA4 (GATA binding protein 4). Cytogenetic location: 8p23.1.
Variant type: single nucleotide variant.
Coding change: c.913-55T>C on transcript NM_001308093.3 (MANE Select); 55 bases into the intron before coding-DNA position 913, T replaced by C.
Molecular consequence: intron variant.
Genome position (GRCh38, 1-based): chr8:11,754,991, T>C. VCF-style: chr8-11754991-T-C. GRCh37 (hg19) VCF-style: chr8-11612500-T-C.
Other names: c.292-55T>C (NM_001308094.2, NM_001374273.1); c.910-55T>C (NM_002052.5); c.166-55T>C (NM_001374274.1).
Identifiers: ClinVar variation 433018 (VCV000433018.2), dbSNP rs1554498312, ClinGen allele CA645372456.